The following is an entry in ClinVar:

NM_194454.3(KRIT1):c.103-6T>G

Gene: KRIT1 (KRIT1 ankyrin repeat containing; minus strand). Cytogenetic location: 7q21.2.
Variant type: single nucleotide variant.
Coding change: c.103-6T>G on transcript NM_194454.3 (MANE Select); 6 bases into the intron before coding-DNA position 103, T replaced by G.
Molecular consequence: intron variant.
Genome position (GRCh38, 1-based): chr7:92,241,158, A>C on the plus strand (T>G on the coding strand, the complement: KRIT1 is on the minus strand). VCF-style: chr7-92241158-A-C. GRCh37 (hg19) VCF-style: chr7-91870472-A-C.
Other names: c.103-6T>G (NM_001350672.1, NM_001350676.1, NM_001350673.1 and 29 more transcripts); c.-481-6T>G (NM_001350671.1).
Identifiers: ClinVar variation 2703358 (VCV002703358.3), dbSNP rs2536106957, ClinGen allele CA2697557374.

ClinVar aggregate classification (germline): Uncertain significance (1 of 4 stars; one submission).

Conditions:
Cerebral cavernous malformation (CCM). Also called: Cerebral cavernous malformations; Cerebral cavernous hemangioma (type); Cavernous Hemangioma of Brain; CAVERNOUS ANGIOMA, FAMILIAL; CAVERNOUS ANGIOMATOUS MALFORMATIONS; CEREBRAL CAPILLARY MALFORMATIONS. Identifiers: Orphanet 221061, MedGen C2919945, MONDO:0000820, OMIM 116860, HP:0033522.

Submission:

Labcorp Genetics (formerly Invitae), Labcorp
Classification: Uncertain significance for Cerebral cavernous malformation. Last evaluated: 2024-02-08. Review status: criteria provided, single submitter. Criteria: Invitae Variant Classification Sherloc (09022015). Collection method: clinical testing. Allele origin: germline.
Comment: This sequence change falls in intron 5 of the KRIT1 gene. It does not directly change the encoded amino acid sequence of the KRIT1 protein. This variant is not present in population databases (gnomAD no frequency). This variant has not been reported in the literature in individuals affected with KRIT1-related conditions. Algorithms developed to predict the effect of sequence changes on RNA splicing suggest that this variant may disrupt the consensus splice site. In summary, the available evidence is currently insufficient to determine the role of this variant in disease. Therefore, it has been classified as a Variant of Uncertain Significance.